The following is an entry in ClinVar:

NM_002075.4(GNB3):c.871G>A (p.Asp291Asn)

Genes: GNB3 (G protein subunit beta 3; plus strand), CDCA3 (cell division cycle associated 3; minus strand). Cytogenetic location: 12p13.31.
Variant type: single nucleotide variant.
Coding change: c.871G>A on transcript NM_002075.4 (MANE Select); coding-DNA position 871, G replaced by A.
Protein change: p.Asp291Asn; replaces aspartic acid 291 with asparagine.
Molecular consequence: missense variant. On other transcripts: 3 prime UTR variant (1).
Genome position (GRCh38, 1-based): chr12:6,845,757, G>A. VCF-style: chr12-6845757-G-A. GRCh37 (hg19) VCF-style: chr12-6954921-G-A.
Other names: c.868G>A, p.Asp290Asn (NM_001297571.2); c.*1031C>T (NM_001297603.3); short protein forms D291N, D290N.
Identifiers: ClinVar variation 934432 (VCV000934432.11), dbSNP rs782729041, ClinGen allele CA6417692.

ClinVar aggregate classification (germline): Uncertain significance. Review status: criteria provided, multiple submitters, no conflicts (2 of 4 stars). 2 submissions from 2 submitters: Uncertain significance (2). Last evaluated 2022-11-01.

Allele frequency attached by ClinVar (database versions not stated): gnomAD exomes 0.00001 and below 0.00001; TOPMed 0.00001; gnomAD 0.00001; ExAC 0.00002.
gnomAD v4.1: 23 of 1,613,996 alleles (0.0014%); highest among the groups gnomAD compares: Non-Finnish European, 0.0017%; no homozygotes.

Submissions (2):

Labcorp Genetics (formerly Invitae), Labcorp
Classification: Uncertain significance. Last evaluated: 2022-11-01. Review status: criteria provided, single submitter. Criteria: Invitae Variant Classification Sherloc (09022015). Collection method: clinical testing. Allele origin: germline.
Comment: In summary, the available evidence is currently insufficient to determine the role of this variant in disease. Therefore, it has been classified as a Variant of Uncertain Significance. Advanced modeling of protein sequence and biophysical properties (such as structural, functional, and spatial information, amino acid conservation, physicochemical variation, residue mobility, and thermodynamic stability) performed at Invitae indicates that this missense variant is not expected to disrupt GNB3 protein function. ClinVar contains an entry for this variant (Variation ID: 934432). This variant has not been reported in the literature in individuals affected with GNB3-related conditions. This variant is present in population databases (rs782729041, gnomAD 0.002%). This sequence change replaces aspartic acid, which is acidic and polar, with asparagine, which is neutral and polar, at codon 291 of the GNB3 protein (p.Asp291Asn).

Blueprint Genetics
Classification: Uncertain significance. Last evaluated: 2022-09-05. Review status: criteria provided, single submitter. Criteria: ACMG Guidelines, 2015. Collection method: clinical testing. Allele origin: germline.